The following is an entry in ClinVar:

ClinVar aggregate classification (germline): Likely benign (1 of 4 stars; one submission).

Allele frequency attached by ClinVar (database versions not stated): TOPMed 0.02209; 1000 Genomes Project 30x 0.02342; 1000 Genomes Project 0.02376; gnomAD 0.02568; gnomAD exomes 0.03359.
gnomAD v4.1: 17,455 of 554,748 alleles (3.1%); highest among the groups gnomAD compares: South Asian, 7.3%; 455 homozygotes.

Submission:

GeneDx
Classification: Likely benign. Last evaluated: 2020-08-28. Review status: criteria provided, single submitter. Criteria: GeneDx Variant Classification Process June 2021. Collection method: clinical testing. Allele origin: germline. Affected: yes.
Comment: See Variant Classification Assertion Criteria.

NM_000843.4(GRM6):c.2436+186C>T

Genes: ZNF454 (zinc finger protein 454; plus strand), GRM6 (glutamate metabotropic receptor 6; minus strand). Cytogenetic location: 5q35.3.
Variant type: single nucleotide variant.
Coding change: c.2436+186C>T on transcript NM_000843.4 (MANE Select); 186 bases into the intron after coding-DNA position 2436, C replaced by T.
Molecular consequence: intron variant.
Genome position (GRCh38, 1-based): chr5:178,982,724, G>A on the plus strand (C>T on the coding strand, the complement: GRM6 is on the minus strand). VCF-style: chr5-178982724-G-A. GRCh37 (hg19) VCF-style: chr5-178409725-G-A.
Identifiers: ClinVar variation 1707038 (VCV001707038.2), dbSNP rs17078860, ClinGen allele CA133017249.